The following is an entry in ClinVar:

ClinVar aggregate classification (germline): Uncertain significance (1 of 4 stars; one submission).

Conditions:
Hereditary cancer-predisposing syndrome. Also called: Neoplastic Syndromes, Hereditary; Tumor predisposition; Hereditary Cancer Syndrome; Hereditary neoplastic syndrome. Identifiers: Orphanet 140162, MedGen C0027672, MeSH D009386, MONDO:0015356.

Allele frequency attached by ClinVar (database versions not stated): gnomAD exomes below 0.00001.
gnomAD v4.1: 5 of 1,614,020 alleles (0.00031%); highest among the groups gnomAD compares: Non-Finnish European, 0.00042%; no homozygotes.

Submission:

Ambry Genetics
Classification: Uncertain significance for Hereditary cancer-predisposing syndrome. Last evaluated: 2020-09-30. Review status: criteria provided, single submitter. Criteria: Ambry Variant Classification Scheme 2023. Collection method: clinical testing. Allele origin: germline.
Comment: The p.R2453K variant (also known as c.7358G>A), located in coding exon 15 of the APC gene, results from a G to A substitution at nucleotide position 7358. The arginine at codon 2453 is replaced by lysine, an amino acid with highly similar properties. This amino acid position is well conserved in available vertebrate species; however, lysine is the reference amino acid in other vertebrate species. In addition, in silico predictors for this gene do not accurately predict pathogenicity. Since supporting evidence is limited at this time, the clinical significance of this alteration remains unclear.

NM_000038.6(APC):c.7358G>A (p.Arg2453Lys)

Gene: APC (APC regulator of Wnt signaling pathway; plus strand). Cytogenetic location: 5q22.2.
Variant type: single nucleotide variant.
Coding change: c.7358G>A on transcript NM_000038.6 (MANE Select); coding-DNA position 7358, G replaced by A.
Protein change: p.Arg2453Lys; replaces arginine 2453 with lysine.
Molecular consequence: missense variant.
Genome position (GRCh38, 1-based): chr5:112,842,952, G>A. VCF-style: chr5-112842952-G-A. GRCh37 (hg19) VCF-style: chr5-112178649-G-A.
Other names: c.7358G>A, p.Arg2453Lys (NM_001127510.3, NM_001354895.2, NM_001407450.1); c.7304G>A, p.Arg2435Lys (NM_001127511.3); c.7412G>A, p.Arg2471Lys (NM_001354896.2, NM_001407447.1, NM_001407448.1 and 1 more transcripts); c.7388G>A, p.Arg2463Lys (NM_001354897.2); c.7283G>A, p.Arg2428Lys (NM_001354898.2); c.7274G>A, p.Arg2425Lys (NM_001354899.2); c.7235G>A, p.Arg2412Lys (NM_001354900.2); c.7181G>A, p.Arg2394Lys (NM_001354901.2, NM_001407453.1); and 11 more; short protein forms R2069K, R2170K, R2362K, R2425K, R2446K, R2463K, R2324K, R2327K.
Identifiers: ClinVar variation 1758479 (VCV001758479.2), dbSNP rs543054681, ClinGen allele CA16037354.